The following is an entry in ClinVar:

ClinVar aggregate classification (germline): Pathogenic (1 of 4 stars; one submission).

Submission:

Labcorp Genetics (formerly Invitae), Labcorp
Classification: Pathogenic. Last evaluated: 2022-03-17. Review status: criteria provided, single submitter. Criteria: Invitae Variant Classification Sherloc (09022015). Collection method: clinical testing. Allele origin: germline.
Comment: A gross deletion of the genomic region encompassing the full coding sequence of the VPS13A gene has been identified. Loss-of-function variants in VPS13A are known to be pathogenic (PMID: 12404112, 21598378). The boundaries of this event are unknown as they extend beyond the assayed region for this gene and therefore may encompass additional genes. This variant has not been reported in the literature in individuals affected with VPS13A-related conditions. For these reasons, this variant has been classified as Pathogenic.

Literature cited by the submitters: PubMed 12404112; PubMed 21598378.

NC_000009.11:g.(?_79792611)_(80030932_?)del

Gene: VPS13A (vacuolar protein sorting 13 homolog A; plus strand). Cytogenetic location: 9q21.2.
Variant type: Deletion.
Identifiers: ClinVar variation 2427125 (VCV002427125.2).